The following is an entry in ClinVar:

NM_199420.4(POLQ):c.7618G>A (p.Asp2540Asn)

Gene: POLQ (DNA polymerase theta; minus strand). Cytogenetic location: 3q13.33.
Variant type: single nucleotide variant.
Coding change: c.7618G>A on transcript NM_199420.4 (MANE Select); coding-DNA position 7618, G replaced by A.
Protein change: p.Asp2540Asn; replaces aspartic acid 2540 with asparagine.
Molecular consequence: missense variant.
Genome position (GRCh38, 1-based): chr3:121,432,959, C>T on the plus strand (G>A on the coding strand, the complement: POLQ is on the minus strand). VCF-style: chr3-121432959-C-T. GRCh37 (hg19) VCF-style: chr3-121151806-C-T.
Other names: short protein forms D2540N.
Identifiers: ClinVar variation 1759827 (VCV001759827.2), dbSNP rs1173368512, ClinGen allele CA354093679.

ClinVar aggregate classification (germline): Uncertain significance (1 of 4 stars; one submission).

Allele frequency attached by ClinVar (database versions not stated): TOPMed below 0.00001; gnomAD 0.00001.
gnomAD v4.1: 1 of 1,611,068 alleles (0.000062%); highest among the groups gnomAD compares: Non-Finnish European, 0.000085%; no homozygotes.

Submission:

Ambry Genetics
Classification: Uncertain significance. Last evaluated: 2022-01-31. Review status: criteria provided, single submitter. Criteria: Ambry Variant Classification Scheme 2023. Collection method: clinical testing. Allele origin: germline.
Comment: The p.D2540N variant (also known as c.7618G>A), located in coding exon 29 of the POLQ gene, results from a G to A substitution at nucleotide position 7618. The aspartic acid at codon 2540 is replaced by asparagine, an amino acid with highly similar properties. This amino acid position is conserved. In addition, this alteration is predicted to be deleterious by in silico analysis. Since supporting evidence is limited at this time, the clinical significance of this alteration remains unclear.